The following is an entry in ClinVar:

NM_006767.4(LZTR1):c.1743_1747del (p.Val582fs)

Gene: LZTR1 (leucine zipper like post translational regulator 1; plus strand). Cytogenetic location: 22q11.21.
Variant type: Deletion.
Coding change: c.1743_1747del on transcript NM_006767.4 (MANE Select); coding-DNA positions 1743 to 1747, 5 bases deleted (TGTGT; older notation c.1743_1747delTGTGT).
Protein change: p.Val582fs; shifts the reading frame from valine 582.
Molecular consequence: frameshift variant.
Genome position (GRCh38, 1-based): chr22:20,994,685-20,994,689, TGTGT deleted; deleting any 5 consecutive bases within chr22:20,994,683-20,994,689 gives the same sequence; the c. name uses the placement nearest the transcript's 3' end. VCF-style (leftmost placement, unchanged base first): chr22-20994682-GGTTGT-G. GRCh37 (hg19) VCF-style: chr22-21348971-GGTTGT-G.
Other names: short protein forms V582fs.
Identifiers: ClinVar variation 5023781 (VCV005023781.1).

ClinVar aggregate classification (germline): Uncertain significance (1 of 4 stars; one submission).

Conditions:
Cardiovascular phenotype. Identifiers: MedGen CN230736.
Hereditary cancer-predisposing syndrome. Also called: Neoplastic Syndromes, Hereditary; Tumor predisposition; Hereditary neoplastic syndrome; Hereditary Cancer Syndrome. Identifiers: Orphanet 140162, MedGen C0027672, MeSH D009386, MONDO:0015356.

Submission:

Ambry Genetics
Classification: Uncertain significance for Cardiovascular phenotype; Hereditary cancer-predisposing syndrome. Last evaluated: 2026-08-05. Review status: criteria provided, single submitter. Criteria: Ambry Variant Classification Scheme 2023. Collection method: clinical testing. Allele origin: germline.
Comment: The c.1743_1747delTGTGT variant, located in coding exon 15 of the LZTR1 gene, results from a deletion of 5 nucleotides at nucleotide positions 1743 to 1747, causing a translational frameshift with a predicted alternate stop codon (p.V582Rfs*85). Frameshift variants are typically expected to result in loss of function by premature protein truncation or nonsense-mediated mRNA decay. However, in silico splice site analysis predicts that this alteration may result in the creation or strengthening of a novel splice donor site, and the resulting transcript is predicted to be in-frame, although direct evidence is unavailable. Based on the available evidence, the clinical significance of this variant remains unclear.